The following is an entry in ClinVar:

NM_001849.4(COL6A2):c.2093C>T (p.Ala698Val)

Gene: COL6A2 (collagen type VI alpha 2 chain; plus strand). Cytogenetic location: 21q22.3.
Variant type: single nucleotide variant.
Coding change: c.2093C>T on transcript NM_001849.4 (MANE Select); coding-DNA position 2093, C replaced by T.
Protein change: p.Ala698Val; replaces alanine 698 with valine.
Molecular consequence: missense variant.
Genome position (GRCh38, 1-based): chr21:46,125,908, C>T. VCF-style: chr21-46125908-C-T. GRCh37 (hg19) VCF-style: chr21-47545822-C-T.
Other names: c.2093C>T, p.Ala698Val (NM_058174.3, NM_058175.3); short protein forms A698V.
Identifiers: ClinVar variation 426525 (VCV000426525.14), dbSNP rs1085307668, ClinGen allele CA410541522.

ClinVar aggregate classification (germline): Conflicting classifications of pathogenicity. Review status: criteria provided, conflicting classifications (1 of 4 stars). 4 submissions from 4 submitters: Likely pathogenic (1); Uncertain significance (3). Last evaluated 2025-10-10.

Conditions:
Bethlem myopathy 1A. Also called: MYOPATHY, BENIGN CONGENITAL, WITH CONTRACTURES; Bethlem myopathy 1; Bethlem Muscular Dystrophy. Identifiers: Orphanet 610, MedGen CN029274, MONDO:0024530, OMIM 158810.

Submissions (4):

Labcorp Genetics (formerly Invitae), Labcorp
Classification: Uncertain significance for Bethlem myopathy 1A. Last evaluated: 2025-10-10. Review status: criteria provided, single submitter. Criteria: Invitae Variant Classification Sherloc (09022015). Collection method: clinical testing. Allele origin: germline.
Comment: This sequence change replaces alanine, which is neutral and non-polar, with valine, which is neutral and non-polar, at codon 698 of the COL6A2 protein (p.Ala698Val). This variant is not present in population databases (gnomAD no frequency). This missense change has been observed in individual(s) with Bethlem myopathy (PMID: 34167565, 38374194). ClinVar contains an entry for this variant (Variation ID: 426525). Invitae Evidence Modeling of protein sequence and biophysical properties (such as structural, functional, and spatial information, amino acid conservation, physicochemical variation, residue mobility, and thermodynamic stability) indicates that this missense variant is expected to disrupt COL6A2 protein function with a positive predictive value of 80%. In summary, the available evidence is currently insufficient to determine the role of this variant in disease. Therefore, it has been classified as a Variant of Uncertain Significance.

Blueprint Genetics
Classification: Uncertain significance. Last evaluated: 2024-03-06. Review status: criteria provided, single submitter. Criteria: ACMG Guidelines, 2015. Collection method: clinical testing. Allele origin: germline.

Molecular Biology Laboratory, Virgen Macarena University Hospital
Classification: Likely pathogenic for Bethlem myopathy 1A. Last evaluated: 2020-11-07. Review status: criteria provided, single submitter. Criteria: ACMG Guidelines, 2015. Collection method: clinical testing. Allele origin: inherited. Inheritance: Autosomal dominant inheritance. Affected: yes.
Comment: A transition from a C to a T (c.2093C> T) that presumably produces at the protein level a substitution of Alanine at position 698 for Valine (p.Ala698Val) in the COL6A2 gene. This change, described in the dbSNP database (rs1085307668), has been classified by the ClinVar database as of uncertain clinical significance (ID: 426525) and its population frequency is unknown. However, it should be noted that in the COL6A2 gene other pathogenic variants close to this change have been described in the HGMD database associated with Bethlem myopathy (G699D, CM1414904 // G700S, CM050221), which suggests that this change, located in the C1-terminal domain of the protein is in a conserved position of the protein. Furthermore, in silico analyzes of the change predict that it is a likely deleterious change. With this information and the possitive segregation of the variant in affected members in a family, we classify this variant as Likely pathogenic.

GeneDx
Classification: Uncertain significance. Last evaluated: 2017-04-13. Review status: criteria provided, single submitter. Criteria: GeneDx Variant Classification (06012015). Collection method: clinical testing. Allele origin: germline. Affected: yes.
Comment: The A698V variant has not been published as a pathogenic variant, nor has it been reported as a benign variant to our knowledge. The A698V variant is not observed in large population cohorts (Lek et al., 2016; 1000 Genomes Consortium et al., 2015; Exome Variant Server). This variant is a conservative amino acid substitution, which is not likely to impact secondary protein structure as these residues share similar properties. However, this substitution occurs at a position that is conserved across species, and missense variants in nearby residues (G699D; G700S) have been reported in the Human Gene Mutation Database in association with Bethlem myopathy (Stenson et al., 2014). Additionally, in silico analysis predicts this variant is probably damaging to the protein structure/function.

Literature cited by the submitters: PubMed 34167565 (cited by Labcorp Genetics (formerly Invitae), Labcorp); PubMed 38374194 (cited by Labcorp Genetics (formerly Invitae), Labcorp).